The following is an entry in ClinVar:

NM_007144.3(PCGF2):c.938C>T (p.Ala313Val)

Genes: CISD3 (CDGSH iron sulfur domain 3; plus strand), PCGF2 (polycomb group ring finger 2; minus strand). Cytogenetic location: 17q12.
Variant type: single nucleotide variant.
Coding change: c.938C>T on transcript NM_007144.3 (MANE Select); coding-DNA position 938, C replaced by T.
Protein change: p.Ala313Val; replaces alanine 313 with valine.
Molecular consequence: missense variant. On other transcripts: 3 prime UTR variant (1).
Genome position (GRCh38, 1-based): chr17:38,735,320, G>A on the plus strand (C>T on the coding strand, the complement: PCGF2 is on the minus strand). VCF-style: chr17-38735320-G-A. GRCh37 (hg19) VCF-style: chr17-36891573-G-A.
Other names: c.*1865G>A (NM_001136498.2); c.938C>T, p.Ala313Val (NM_001369614.1, NM_001369615.1); short protein forms A313V.
Identifiers: ClinVar variation 1598615 (VCV001598615.11), dbSNP rs143182107, ClinGen allele CA8524849.

ClinVar aggregate classification (germline): Benign/Likely benign. Review status: criteria provided, multiple submitters, no conflicts (2 of 4 stars). 3 submissions from 3 submitters: Benign (1); Likely benign (1). 1 of the submissions does not count toward it. Last evaluated 2025-12-19.

Conditions:
Inborn genetic diseases. Identifiers: MedGen C0950123, MeSH D030342.
PCGF2-related disorder. Also called: PCGF2-related condition.

Allele frequency attached by ClinVar (database versions not stated): gnomAD exomes 0.00026 and 0.00067; ESP Exome Variant Server 0.00202; 1000 Genomes Project 0.00220; 1000 Genomes Project 30x 0.00234; ExAC 0.00243; gnomAD 0.00273 and 0.00297; TOPMed 0.00282.
gnomAD v4.1: 790 of 1,538,528 alleles (0.051%); highest among the groups gnomAD compares: African/African-American, 0.97%; 5 homozygotes.

Submissions (3):

Labcorp Genetics (formerly Invitae), Labcorp
Classification: Benign. Last evaluated: 2025-12-19. Review status: criteria provided, single submitter. Criteria: Invitae Variant Classification Sherloc (09022015). Collection method: clinical testing. Allele origin: germline.

Ambry Genetics
Classification: Likely benign for Inborn genetic diseases. Last evaluated: 2025-04-12. Review status: criteria provided, single submitter. Criteria: Ambry Variant Classification Scheme 2023. Collection method: clinical testing. Allele origin: germline.

PreventionGenetics, part of Exact Sciences
Classification: Benign for PCGF2-related condition. Last evaluated: 2019-02-22. Review status: no assertion criteria provided. Collection method: clinical testing. Allele origin: germline. Not counted in ClinVar's aggregate classification.
Comment: This variant is classified as benign based on ACMG/AMP sequence variant interpretation guidelines (Richards et al. 2015 PMID: 25741868, with internal and published modifications).